The following is an entry in ClinVar:

NM_003919.3(SGCE):c.172T>A (p.Phe58Ile)

Genes: CASD1 (CAS1 domain sialic acid O acetyltransferase 1; plus strand), SGCE (sarcoglycan epsilon; minus strand). Cytogenetic location: 7q21.3.
Variant type: single nucleotide variant.
Coding change: c.172T>A on transcript NM_003919.3 (MANE Select); coding-DNA position 172, T replaced by A.
Protein change: p.Phe58Ile; replaces phenylalanine 58 with isoleucine.
Molecular consequence: missense variant. On other transcripts: 5 prime UTR variant (2), intron variant (2).
Genome position (GRCh38, 1-based): chr7:94,629,779, A>T on the plus strand (T>A on the coding strand, the complement: SGCE is on the minus strand). VCF-style: chr7-94629779-A-T. GRCh37 (hg19) VCF-style: chr7-94259091-A-T.
Other names: c.85T>A, p.Phe29Ile (NM_001362807.2, NM_001346719.2); c.-102T>A (NM_001362808.2, NM_001346720.2); c.110-1420T>A (NM_001362809.2, NM_001301139.2); c.172T>A, p.Phe58Ile (NM_001099400.2, NM_001099401.2, NM_001346717.2); c.280T>A, p.Phe94Ile (NM_001346713.2, NM_001346715.2); short protein forms F29I, F58I, F94I.
Identifiers: ClinVar variation 2866470 (VCV002866470.3), dbSNP rs748106020, ClinGen allele CA368239336.

ClinVar aggregate classification (germline): Uncertain significance (1 of 4 stars; one submission).

Conditions:
Myoclonic dystonia 11 (DYT11). Also called: Myoclonic dystonia; Dystonia 11; Dystonia, alcohol responsive; Hereditary essential myoclonus; SGCE Myoclonus-Dystonia; Myoclonus-Dystonia. Identifiers: Orphanet 36899, MedGen C1834570, MONDO:0008044, OMIM 159900.

Submission:

Labcorp Genetics (formerly Invitae), Labcorp
Classification: Uncertain significance for Myoclonic dystonia 11. Last evaluated: 2023-05-20. Review status: criteria provided, single submitter. Criteria: Invitae Variant Classification Sherloc (09022015). Collection method: clinical testing. Allele origin: germline.
Comment: This sequence change replaces phenylalanine, which is neutral and non-polar, with isoleucine, which is neutral and non-polar, at codon 58 of the SGCE protein (p.Phe58Ile). In summary, the available evidence is currently insufficient to determine the role of this variant in disease. Therefore, it has been classified as a Variant of Uncertain Significance. Advanced modeling of protein sequence and biophysical properties (such as structural, functional, and spatial information, amino acid conservation, physicochemical variation, residue mobility, and thermodynamic stability) performed at Invitae indicates that this missense variant is expected to disrupt SGCE protein function. This variant has not been reported in the literature in individuals affected with SGCE-related conditions. This variant is not present in population databases (gnomAD no frequency).